The following is an entry in ClinVar:

NM_000138.5(FBN1):c.1671T>G (p.Cys557Trp)

Gene: FBN1 (fibrillin 1; minus strand). Cytogenetic location: 15q21.1.
Variant type: single nucleotide variant.
Coding change: c.1671T>G on transcript NM_000138.5 (MANE Select); coding-DNA position 1671, T replaced by G.
Protein change: p.Cys557Trp; replaces cysteine 557 with tryptophan.
Molecular consequence: missense variant.
Genome position (GRCh38, 1-based): chr15:48,510,087, A>C on the plus strand (T>G on the coding strand, the complement: FBN1 is on the minus strand). VCF-style: chr15-48510087-A-C. GRCh37 (hg19) VCF-style: chr15-48802284-A-C.
Other names: c.1671T>G (NM_000138.4); short protein forms C557W.
Identifiers: ClinVar variation 1475205 (VCV001475205.9), dbSNP rs2141323336, ClinGen allele CA392341043.

ClinVar aggregate classification (germline): Likely pathogenic. Review status: criteria provided, multiple submitters, no conflicts (2 of 4 stars). 2 submissions from 2 submitters: Likely pathogenic (2). Last evaluated 2025-04-07.

Conditions:
Marfan syndrome (MFS). Also called: MARFAN SYNDROME, TYPE I; Marfan syndrome type 1; Marfan's syndrome; Marfan syndrome, classic; FBN1-Related Marfan Syndrome. Identifiers: Orphanet 284963, Orphanet 558, MedGen C0024796, MONDO:0007947, OMIM 154700.
Familial thoracic aortic aneurysm and aortic dissection (TAAD). Also called: Thoracic aortic aneurysms and dissections. Identifiers: Orphanet 91387, MedGen C4707243, MONDO:0019625.

Submissions (2):

Labcorp Genetics (formerly Invitae), Labcorp
Classification: Likely pathogenic for Marfan syndrome; Familial thoracic aortic aneurysm and aortic dissection. Last evaluated: 2025-04-07. Review status: criteria provided, single submitter. Criteria: Invitae Variant Classification Sherloc (09022015). Collection method: clinical testing. Allele origin: germline.
Comment: This sequence change replaces cysteine, which is neutral and slightly polar, with tryptophan, which is neutral and slightly polar, at codon 557 of the FBN1 protein (p.Cys557Trp). This variant is not present in population databases (gnomAD no frequency). This variant has not been reported in the literature in individuals affected with FBN1-related conditions. ClinVar contains an entry for this variant (Variation ID: 1475205). Invitae Evidence Modeling of protein sequence and biophysical properties (such as structural, functional, and spatial information, amino acid conservation, physicochemical variation, residue mobility, and thermodynamic stability) indicates that this missense variant is expected to disrupt FBN1 protein function with a positive predictive value of 95%. This variant affects a cysteine residue in the EGF-like, TGFBP or hybrid motif domains of FBN1. Cysteine residues are believed to be involved in intramolecular disulfide bridges and have been shown to be important for FBN1 protein structure (PMID: 16905551, 19349279). In addition, missense substitutions affecting cysteine residues within these domains are significantly overrepresented among patients with Marfan syndrome (PMID: 16571647, 17701892). This variant disrupts the p.Cys557 amino acid residue in FBN1. Other variant(s) that disrupt this residue have been observed in individuals with FBN1-related conditions (PMID: 19293843; internal data), which suggests that this may be a clinically significant amino acid residue. In summary, the currently available evidence indicates that the variant is pathogenic, but additional data are needed to prove that conclusively. Therefore, this variant has been classified as Likely Pathogenic.

Ambry Genetics
Classification: Likely pathogenic for Familial thoracic aortic aneurysm and aortic dissection. Last evaluated: 2025-03-20. Review status: criteria provided, single submitter. Criteria: Ambry Variant Classification Scheme 2023. Collection method: clinical testing. Allele origin: germline.
Comment: The p.C557W variant (also known as c.1671T>G), located in coding exon 13 of the FBN1 gene, results from a T to G substitution at nucleotide position 1671. The cysteine at codon 557 is replaced by tryptophan, an amino acid with highly dissimilar properties. The majority of FBN1 mutations identified to date have involved the substitution or generation of cysteine residues within cbEGF domains (Vollbrandt T et al. J Biol Chem. 2004;279(31):32924-32931). Internal structural analysis indicates this alteration eliminates a disulfide bond critical for the structural integrity of the cbEGF4 domain (Ambry internal data). This variant was reported in individual(s) with features consistent with Marfan syndrome (Ambry internal data). This variant is considered to be rare based on population cohorts in the Genome Aggregation Database (gnomAD). This amino acid position is highly conserved in available vertebrate species. In addition, this alteration is predicted to be deleterious by in silico analysis. Based on the majority of available evidence to date, this variant is likely to be pathogenic.

Literature cited by the submitters: PubMed 16905551 (cited by Labcorp Genetics (formerly Invitae), Labcorp); PubMed 19349279 (cited by Labcorp Genetics (formerly Invitae), Labcorp); PubMed 16571647 (cited by Labcorp Genetics (formerly Invitae), Labcorp); PubMed 17701892 (cited by Labcorp Genetics (formerly Invitae), Labcorp); PubMed 19293843 (cited by Labcorp Genetics (formerly Invitae), Labcorp).